The following is an entry in ClinVar:

ClinVar aggregate classification (germline): Uncertain significance. Review status: criteria provided, multiple submitters, no conflicts (2 of 4 stars). 2 submissions from 2 submitters: Uncertain significance (2). Last evaluated 2022-06-10.

Conditions:
Hereditary cancer-predisposing syndrome. Also called: Tumor predisposition; Hereditary Cancer Syndrome; Hereditary neoplastic syndrome; Neoplastic Syndromes, Hereditary. Identifiers: Orphanet 140162, MedGen C0027672, MeSH D009386, MONDO:0015356.

gnomAD v4.1: 1 of 1,612,582 alleles (0.000062%); highest among the groups gnomAD compares: Non-Finnish European, 0.000085%; no homozygotes.

Submissions (2):

GeneDx
Classification: Uncertain significance. Last evaluated: 2022-06-10. Review status: criteria provided, single submitter. Criteria: GeneDx Variant Classification Process June 2021. Collection method: clinical testing. Allele origin: germline. Affected: yes.
Comment: Not observed at significant frequency in large population cohorts (gnomAD); In silico analysis supports that this missense variant does not alter protein structure/function; Has not been previously published as pathogenic or benign to our knowledge; This variant is associated with the following publications: (PMID: 18466115)

Ambry Genetics
Classification: Uncertain significance for Hereditary cancer-predisposing syndrome. Last evaluated: 2021-12-28. Review status: criteria provided, single submitter. Criteria: Ambry Variant Classification Scheme 2023. Collection method: clinical testing. Allele origin: germline.
Comment: The p.S235T variant (also known as c.704G>C), located in coding exon 7 of the TSC2 gene, results from a G to C substitution at nucleotide position 704. The serine at codon 235 is replaced by threonine, an amino acid with similar properties. This amino acid position is well conserved in available vertebrate species. In addition, the in silico prediction for this alteration is inconclusive. Since supporting evidence is limited at this time, the clinical significance of this alteration remains unclear.

NM_000548.5(TSC2):c.704G>C (p.Ser235Thr)

Gene: TSC2 (TSC complex subunit 2; plus strand). Cytogenetic location: 16p13.3.
Variant type: single nucleotide variant.
Coding change: c.704G>C on transcript NM_000548.5 (MANE Select); coding-DNA position 704, G replaced by C.
Protein change: p.Ser235Thr; replaces serine 235 with threonine.
Molecular consequence: missense variant.
Genome position (GRCh38, 1-based): chr16:2,056,699, G>C. VCF-style: chr16-2056699-G-C. GRCh37 (hg19) VCF-style: chr16-2106700-G-C.
Other names: c.704G>C, p.Ser235Thr (NM_001077183.3, NM_001114382.3, NM_001363528.2 and 3 more transcripts); c.593G>C, p.Ser198Thr (NM_001318827.2); c.557G>C, p.Ser186Thr (NM_001318829.2); c.104G>C, p.Ser35Thr (NM_001318831.2); c.737G>C, p.Ser246Thr (NM_001318832.2); short protein forms S235T, S186T, S246T, S35T, S198T.
Identifiers: ClinVar variation 486692 (VCV000486692.6), dbSNP rs397514957, ClinGen allele CA394312680.
Genomic context (GRCh38, chr16:2,056,699, plus strand): 5'-ACCAGGTCTCCCTGCAGGTGCTGGACGCCGTGGTCTGCTACAACTGCCTGCCGGCTGAGA[G>C]CCTCCCGCTGTTCATCGTTACCCTCTGTCGCACCATCAACGTCAAGGAGCTCTGCGAGCC-3'
Protein context (NP_000539.2, residues 225-245): VVCYNCLPAE[Ser235Thr]LPLFIVTLCR